The following is an entry in ClinVar:

ClinVar aggregate classification (germline): Likely benign. Review status: criteria provided, multiple submitters, no conflicts (2 of 4 stars). 4 submissions from 4 submitters: Likely benign (3). 1 of the submissions does not count toward it. Last evaluated 2025-09-25.

Conditions:
ZNF408-related disorder. Also called: ZNF408-related condition.

Allele frequency attached by ClinVar (database versions not stated): gnomAD 0.00037 and 0.00042; TOPMed 0.00039; ESP Exome Variant Server 0.00046; 1000 Genomes Project 0.00060; gnomAD exomes 0.00060 and 0.00062; ExAC 0.00063; 1000 Genomes Project 30x 0.00078.
gnomAD v4.1: 918 of 1,607,940 alleles (0.057%); highest among the groups gnomAD compares: Middle Eastern, 0.27%; 4 homozygotes.

Submissions (4):

Labcorp Genetics (formerly Invitae), Labcorp
Classification: Likely benign. Last evaluated: 2025-09-25. Review status: criteria provided, single submitter. Criteria: Invitae Variant Classification Sherloc (09022015). Collection method: clinical testing. Allele origin: germline.

Blueprint Genetics
Classification: Likely benign. Last evaluated: 2024-11-26. Review status: criteria provided, single submitter. Criteria: ACMG Guidelines, 2015. Collection method: clinical testing. Allele origin: germline.

CeGaT Center for Human Genetics Tuebingen
Classification: Likely benign. Last evaluated: 2024-06-01. Review status: criteria provided, single submitter. Criteria: CeGaT Center For Human Genetics Tuebingen Variant Classification Criteria Version 2. Collection method: clinical testing. Allele origin: germline. Affected: yes. Observed: 1 variant allele.
Comment: ZNF408: BP4

PreventionGenetics, part of Exact Sciences
Classification: Likely benign for ZNF408-related condition. Last evaluated: 2022-04-22. Review status: no assertion criteria provided. Collection method: clinical testing. Allele origin: germline. Not counted in ClinVar's aggregate classification.
Comment: This variant is classified as likely benign based on ACMG/AMP sequence variant interpretation guidelines (Richards et al. 2015 PMID: 25741868, with internal and published modifications).

NM_024741.3(ZNF408):c.689A>G (p.Glu230Gly)

Gene: ZNF408 (zinc finger protein 408; plus strand). Cytogenetic location: 11p11.2.
Variant type: single nucleotide variant.
Coding change: c.689A>G on transcript NM_024741.3 (MANE Select); coding-DNA position 689, A replaced by G.
Protein change: p.Glu230Gly; replaces glutamic acid 230 with glycine.
Molecular consequence: missense variant.
Genome position (GRCh38, 1-based): chr11:46,704,389, A>G. VCF-style: chr11-46704389-A-G. GRCh37 (hg19) VCF-style: chr11-46725939-A-G.
Other names: c.665A>G, p.Glu222Gly (NM_001184751.2); short protein forms E222G, E230G.
Identifiers: ClinVar variation 791544 (VCV000791544.31), dbSNP rs147850078, ClinGen allele CA5966411.
Genomic context (GRCh38, chr11:46,704,389, plus strand): 5'-CAGTACCCCATCCTTGCCTTGCAGATCCTGGTTCCCAGTCACCCTCTGGCATCCAGGCAG[A>G]GAATATGGTGAGCCCTGGACTTAAGTTCCCAACCCAGGACCGAATTTCCAAGGATAGCCA-3'
Protein context (NP_079017.1, residues 220-240): GSQSPSGIQA[Glu230Gly]NMVSPGLKFP